The following is an entry in ClinVar:

ClinVar aggregate classification (germline): Benign/Likely benign. Review status: criteria provided, multiple submitters, no conflicts (2 of 4 stars). 2 submissions from 2 submitters: Benign (1); Likely benign (1). Last evaluated 2026-02-01.

Allele frequency attached by ClinVar (database versions not stated): 1000 Genomes Project 30x 0.00437; 1000 Genomes Project 0.00439; TOPMed 0.00536; gnomAD 0.00570; ExAC 0.00613; ESP Exome Variant Server 0.00746; gnomAD exomes 0.00840.
gnomAD v4.1: 12,120 of 1,494,936 alleles (0.81%); highest among the groups gnomAD compares: Non-Finnish European, 0.94%; 63 homozygotes.

Submissions (2):

Labcorp Genetics (formerly Invitae), Labcorp
Classification: Benign. Last evaluated: 2026-02-01. Review status: criteria provided, single submitter. Criteria: Invitae Variant Classification Sherloc (09022015). Collection method: clinical testing. Allele origin: germline.

CeGaT Center for Human Genetics Tuebingen
Classification: Likely benign. Last evaluated: 2024-03-01. Review status: criteria provided, single submitter. Criteria: CeGaT Center For Human Genetics Tuebingen Variant Classification Criteria Version 2. Collection method: clinical testing. Allele origin: germline. Affected: yes. Observed: 3 variant alleles.
Comment: ITSN2: BP4, BP7, BS2

NM_006277.3(ITSN2):c.681A>G (p.Ser227=)

Gene: ITSN2 (intersectin 2; minus strand). Cytogenetic location: 2p23.3.
Variant type: single nucleotide variant.
Coding change: c.681A>G on transcript NM_006277.3 (MANE Select); coding-DNA position 681, A replaced by G.
Protein change: p.Ser227=; no amino-acid change (serine 227 retained).
Molecular consequence: synonymous variant.
Genome position (GRCh38, 1-based): chr2:24,308,729, T>C on the plus strand (A>G on the coding strand, the complement: ITSN2 is on the minus strand). VCF-style: chr2-24308729-T-C. GRCh37 (hg19) VCF-style: chr2-24531598-T-C.
Other names: c.639A>G, p.Ser213= (NM_001348181.2, NM_001348184.2); c.681A>G, p.Ser227= (NM_001348182.2, NM_001348183.2, NM_001348185.2 and 3 more transcripts).
Identifiers: ClinVar variation 2039091 (VCV002039091.28), dbSNP rs79087404, ClinGen allele CA1551673.